The following is an entry in ClinVar:

ClinVar aggregate classification (germline): Uncertain significance (1 of 4 stars; one submission).

Conditions:
Hereditary cancer-predisposing syndrome. Also called: Tumor predisposition; Hereditary neoplastic syndrome; Hereditary Cancer Syndrome; Neoplastic Syndromes, Hereditary. Identifiers: Orphanet 140162, MedGen C0027672, MeSH D009386, MONDO:0015356.

Submission:

Ambry Genetics
Classification: Uncertain significance for Hereditary cancer-predisposing syndrome. Last evaluated: 2023-12-14. Review status: criteria provided, single submitter. Criteria: Ambry Variant Classification Scheme 2023. Collection method: clinical testing. Allele origin: germline.
Comment: The p.S928N variant (also known as c.2783G>A), located in coding exon 21 of the POLD1 gene, results from a G to A substitution at nucleotide position 2783. The serine at codon 928 is replaced by asparagine, an amino acid with highly similar properties. This amino acid position is conserved. In addition, this alteration is predicted to be tolerated by in silico analysis. Since supporting evidence is limited at this time, the clinical significance of this alteration remains unclear.

NM_002691.4(POLD1):c.2783G>A (p.Ser928Asn)

Gene: POLD1 (DNA polymerase delta 1, catalytic subunit; plus strand). Cytogenetic location: 19q13.33.
Variant type: single nucleotide variant.
Coding change: c.2783G>A on transcript NM_002691.4 (MANE Select); coding-DNA position 2783, G replaced by A.
Protein change: p.Ser928Asn; replaces serine 928 with asparagine.
Molecular consequence: missense variant.
Genome position (GRCh38, 1-based): chr19:50,415,789, G>A. VCF-style: chr19-50415789-G-A. GRCh37 (hg19) VCF-style: chr19-50919046-G-A.
Other names: c.2783G>A, p.Ser928Asn (NM_001256849.1); c.2861G>A, p.Ser954Asn (NM_001308632.1); short protein forms S928N, S954N.
Identifiers: ClinVar variation 3222726 (VCV003222726.1), dbSNP rs1189529370, ClinGen allele CA406986015.